The following is an entry in ClinVar:

ClinVar aggregate classification (germline): Conflicting classifications of pathogenicity. Review status: criteria provided, conflicting classifications (1 of 4 stars). 3 submissions from 3 submitters: Uncertain significance (1); Likely benign (2). Last evaluated 2026-01-23.

Conditions:
Ehlers-Danlos syndrome, kyphoscoliotic type 1 (EDSKSCL1). Also called: EHLERS-DANLOS SYNDROME, TYPE VIA; Ehlers-Danlos syndrome, hydroxylysine-deficient; EHLERS-DANLOS SYNDROME, OCULAR-SCOLIOTIC TYPE; PLOD1-Related Kyphoscoliotic Ehlers-Danlos Syndrome. Identifiers: Orphanet 1900, MedGen C0268342, MONDO:0016002, OMIM 225400. Disease mechanism: loss of function.

Allele frequency attached by ClinVar (database versions not stated): gnomAD 0.00002 and 0.00006; gnomAD exomes 0.00007 and 0.00016; ExAC 0.00016; 1000 Genomes Project 30x 0.00031; 1000 Genomes Project 0.00040.
gnomAD v4.1: 104 of 1,609,288 alleles (0.0065%); highest among the groups gnomAD compares: South Asian, 0.082%; 2 homozygotes.

Submissions (3):

Labcorp Genetics (formerly Invitae), Labcorp
Classification: Likely benign for Ehlers-Danlos syndrome, kyphoscoliotic type 1. Last evaluated: 2026-01-23. Review status: criteria provided, single submitter. Criteria: Invitae Variant Classification Sherloc (09022015). Collection method: clinical testing. Allele origin: germline.

Women's Health and Genetics/Laboratory Corporation of America, LabCorp
Classification: Likely benign. Last evaluated: 2025-04-28. Review status: criteria provided, single submitter. Criteria: LabCorp Variant Classification Summary - May 2015. Collection method: clinical testing. Allele origin: germline.
Comment: Variant summary: PLOD1 c.742-6C>T alters a non-conserved nucleotide located at a position not widely known to affect splicing. Consensus agreement among computation tools predict no significant impact on normal splicing. However, these predictions have yet to be confirmed by functional studies. The variant allele was found at a frequency of 0.00016 in 251400 control chromosomes. This frequency is not significantly higher than estimated for a pathogenic variant in PLOD1 causing Ehlers-Danlos Syndrome Type VI (0.00016 vs 0.0016), allowing no conclusion about variant significance. To our knowledge, no occurrence of c.742-6C>T in individuals affected with Ehlers-Danlos Syndrome Type VI and no experimental evidence demonstrating its impact on protein function have been reported. ClinVar contains an entry for this variant (Variation ID: 292288). Based on the evidence outlined above, the variant was classified as likely benign.

Illumina Laboratory Services, Illumina
Classification: Uncertain significance for Ehlers-Danlos syndrome, kyphoscoliotic type 1. Last evaluated: 2018-01-12. Review status: criteria provided, single submitter. Criteria: ICSL Variant Classification Criteria 13 December 2019. Collection method: clinical testing. Allele origin: germline.

NM_000302.4(PLOD1):c.742-6C>T

Gene: PLOD1 (procollagen-lysine,2-oxoglutarate 5-dioxygenase 1; plus strand). Cytogenetic location: 1p36.22.
Variant type: single nucleotide variant.
Coding change: c.742-6C>T on transcript NM_000302.4 (MANE Select); 6 bases into the intron before coding-DNA position 742, C replaced by T.
Molecular consequence: intron variant.
Genome position (GRCh38, 1-based): chr1:11,957,836, C>T. VCF-style: chr1-11957836-C-T. GRCh37 (hg19) VCF-style: chr1-12017893-C-T.
Other names: c.883-6C>T (NM_001316320.2).
Identifiers: ClinVar variation 292288 (VCV000292288.11), dbSNP rs569632202, ClinGen allele CA598121.
Genomic context (GRCh38, chr1:11,957,836, plus strand): 5'-ATGTGAGTCAGGGCTATGGCAGGTGGGGCTGGCTGGCTTCTCTGTGACCCCACGTCTCCC[C>T]GACAGCTGCAGTTGAACTACCTGGGCAACTACATCCCGCGCTTCTGGACCTTCGAAACAG-3'